The following is an entry in ClinVar:

NM_021267.5(CERS1):c.301G>A (p.Glu101Lys)

Genes: CERS1 (ceramide synthase 1; minus strand), GDF1 (growth differentiation factor 1; minus strand). Cytogenetic location: 19p13.11.
Variant type: single nucleotide variant.
Coding change: c.301G>A on transcript NM_021267.5 (MANE Select); coding-DNA position 301, G replaced by A.
Protein change: p.Glu101Lys; replaces glutamic acid 101 with lysine.
Molecular consequence: missense variant. On other transcripts: 5 prime UTR variant (2).
Genome position (GRCh38, 1-based): chr19:18,893,524, C>T on the plus strand (G>A on the coding strand, the complement: CERS1 is on the minus strand). VCF-style: chr19-18893524-C-T. GRCh37 (hg19) VCF-style: chr19-19004333-C-T.
Other names: c.7G>A, p.Glu3Lys (NM_001290265.2, NM_001387442.1, NM_001387443.1 and 2 more transcripts); c.301G>A, p.Glu101Lys (NM_001387439.1, NM_001387440.1, NM_001387441.1 and 1 more transcripts); c.-602G>A (NM_001387438.1); c.-1022G>A (NM_001492.6); short protein forms E101K, E3K.
Identifiers: ClinVar variation 4709466 (VCV004709466.1).
Genomic context (GRCh38, chr19:18,893,524, plus strand): 5'-ACAGCAGGTAGGCACTGTAGCTCCAGCTGCCCAGGTAGAAGAGAAACTTCCAAGCGCTCT[C>T]GGGCATCTTGGCGGCATCTCTGGGCTGGAGGCAGCACCGCTTCGCCAGGGGCTATGGGGG-3'
Protein context (NP_067090.1, residues 91-111): LQPRDAAKMP[Glu101Lys]SAWKFLFYLG

ClinVar aggregate classification (germline): Uncertain significance (1 of 4 stars; one submission).

Conditions:
Progressive myoclonic epilepsy type 8. Identifiers: Orphanet 424027, MedGen C5190825, MONDO:0014545, OMIM 616230.

gnomAD v4.1: 8 of 1,610,874 alleles (0.0005%); highest among the groups gnomAD compares: South Asian, 0.0011%; no homozygotes.

Submission:

Labcorp Genetics (formerly Invitae), Labcorp
Classification: Uncertain significance for Progressive myoclonic epilepsy type 8. Last evaluated: 2025-11-20. Review status: criteria provided, single submitter. Criteria: Invitae Variant Classification Sherloc (09022015). Collection method: clinical testing. Allele origin: germline.
Comment: This sequence change replaces glutamic acid, which is acidic and polar, with lysine, which is basic and polar, at codon 101 of the CERS1 protein (p.Glu101Lys). The frequency data for this variant in the population databases is considered unreliable, as metrics indicate poor data quality at this position in the gnomAD database. This variant has not been reported in the literature in individuals affected with CERS1-related conditions. Invitae Evidence Modeling of protein sequence and biophysical properties (such as structural, functional, and spatial information, amino acid conservation, physicochemical variation, residue mobility, and thermodynamic stability) indicates that this missense variant is expected to disrupt CERS1 protein function with a positive predictive value of 80%. In summary, the available evidence is currently insufficient to determine the role of this variant in disease. Therefore, it has been classified as a Variant of Uncertain Significance.